The following is an entry in ClinVar:

ClinVar aggregate classification (germline): Benign/Likely benign. Review status: criteria provided, multiple submitters, no conflicts (2 of 4 stars). 8 submissions from 8 submitters: Benign (7); Likely benign (1). Last evaluated 2026-10-01.

Conditions:
Autosomal recessive limb-girdle muscular dystrophy type R18 (LGMDR18). Also called: Autosomal recessive limb-girdle muscular dystrophy type 2S; MUSCULAR DYSTROPHY, LIMB-GIRDLE, AUTOSOMAL RECESSIVE 18; Limb-girdle muscular dystrophy, type 2S. Identifiers: Orphanet 369840, MedGen C4517996, MONDO:0014144, OMIM 615356.

Allele frequency attached by ClinVar (database versions not stated): 1000 Genomes Project 0.00459; 1000 Genomes Project 30x 0.00593; TOPMed 0.00716; gnomAD 0.00752 and 0.00765; gnomAD exomes 0.00797 and 0.00983; ESP Exome Variant Server 0.00807; ExAC 0.00834.
gnomAD v4.1: 15,523 of 1,613,952 alleles (0.96%); highest among the groups gnomAD compares: Non-Finnish European, 1.1%; 119 homozygotes.

Submissions (8):

CeGaT Center for Human Genetics Tuebingen
Classification: Benign. Last evaluated: 2026-10-01. Review status: criteria provided, single submitter. Criteria: CeGaT Center For Human Genetics Tuebingen Variant Classification Criteria Version 2. Collection method: clinical testing. Allele origin: germline. Affected: yes. Observed: 38 variant alleles.
Comment: TRAPPC11: BP4, BS1, BS2

Labcorp Genetics (formerly Invitae), Labcorp
Classification: Benign for Autosomal recessive limb-girdle muscular dystrophy type R18. Last evaluated: 2026-02-04. Review status: criteria provided, single submitter. Criteria: Invitae Variant Classification Sherloc (09022015). Collection method: clinical testing. Allele origin: germline.

Genomic Medicine Center of Excellence, King Faisal Specialist Hospital and Research Centre
Classification: Likely benign. Last evaluated: 2025-08-18. Review status: criteria provided, single submitter. Criteria: ACMG Guidelines, 2015. Collection method: clinical testing. Allele origin: germline.

GeneDx
Classification: Benign. Last evaluated: 2019-09-09. Review status: criteria provided, single submitter. Criteria: GeneDx Variant Classification Process June 2021. Collection method: clinical testing. Allele origin: germline. Affected: yes.

Athena Diagnostics
Classification: Benign. Last evaluated: 2018-09-28. Review status: criteria provided, single submitter. Criteria: Athena Diagnostics Criteria. Collection method: clinical testing. Allele origin: germline.

Mayo Clinic Laboratories, Mayo Clinic
Classification: Benign. Last evaluated: 2018-01-29. Review status: criteria provided, single submitter. Criteria: ACMG Guidelines, 2015. Collection method: clinical testing. Allele origin: germline. Observed: 11 variant alleles.

Breakthrough Genomics
Classification: Benign. Review status: criteria provided, single submitter. Criteria: ACMG Guidelines, 2015. Collection method: not provided. Allele origin: germline. Inheritance: Autosomal recessive inheritance. Affected: yes.

PreventionGenetics, part of Exact Sciences
Classification: Benign. Review status: criteria provided, single submitter. Criteria: ACMG Guidelines, 2015. Collection method: clinical testing. Allele origin: germline.

NM_021942.6(TRAPPC11):c.2483T>C (p.Val828Ala)

Genes: TRAPPC11 (trafficking protein particle complex subunit 11; plus strand), LOC126807238 (BRD4-independent group 4 enhancer GRCh37_chr4:184614366-184615565; plus strand). Cytogenetic location: 4q35.1.
Variant type: single nucleotide variant.
Coding change: c.2483T>C on transcript NM_021942.6 (MANE Select); coding-DNA position 2483, T replaced by C.
Protein change: p.Val828Ala; replaces valine 828 with alanine.
Molecular consequence: missense variant.
Genome position (GRCh38, 1-based): chr4:183,694,013, T>C. VCF-style: chr4-183694013-T-C. GRCh37 (hg19) VCF-style: chr4-184615166-T-C.
Other names: p.Val828Ala; c.2483T>C, p.Val828Ala (NM_199053.3); short protein forms V828A.
Identifiers: ClinVar variation 261450 (VCV000261450.42), dbSNP rs75176151, ClinGen allele CA3152203.